The following is an entry in ClinVar:

NM_001614.5(ACTG1):c.945G>A (p.Lys315=)

Gene: ACTG1 (actin gamma 1; minus strand). Cytogenetic location: 17q25.3.
Variant type: single nucleotide variant.
Coding change: c.945G>A on transcript NM_001614.5 (MANE Select); coding-DNA position 945, G replaced by A.
Protein change: p.Lys315=; no amino-acid change (lysine 315 retained).
Molecular consequence: synonymous variant. On other transcripts: non-coding transcript variant (1).
Genome position (GRCh38, 1-based): chr17:81,510,966, C>T on the plus strand (G>A on the coding strand, the complement: ACTG1 is on the minus strand). VCF-style: chr17-81510966-C-T. GRCh37 (hg19) VCF-style: chr17-79477992-C-T.
Other names: c.945G>A, p.Lys315= (NM_001199954.3).
Identifiers: ClinVar variation 162712 (VCV000162712.12), dbSNP rs727502881, ClinGen allele CA175193.

ClinVar aggregate classification (germline): Likely benign. Review status: criteria provided, multiple submitters, no conflicts (2 of 4 stars). 3 submissions from 3 submitters: Likely benign (3). Last evaluated 2025-10-03.

Conditions:
Autosomal dominant nonsyndromic hearing loss 20. Identifiers: Orphanet 90635, MedGen C1858172, MONDO:0011480, OMIM 604717.
Baraitser-winter syndrome 2. Identifiers: Orphanet 2995, MedGen C3281235, MONDO:0013812, OMIM 614583.

Allele frequency attached by ClinVar (database versions not stated): ExAC 0.00001; gnomAD exomes 0.00001 and 0.00002; TOPMed 0.00001.
gnomAD v4.1: 8 of 1,614,114 alleles (0.0005%); highest among the groups gnomAD compares: Admixed American, 0.01%; no homozygotes.

Submissions (3):

Labcorp Genetics (formerly Invitae), Labcorp
Classification: Likely benign for Baraitser-winter syndrome 2; Autosomal dominant nonsyndromic hearing loss 20. Last evaluated: 2025-10-03. Review status: criteria provided, single submitter. Criteria: Invitae Variant Classification Sherloc (09022015). Collection method: clinical testing. Allele origin: germline.

GeneDx
Classification: Likely benign. Last evaluated: 2022-05-05. Review status: criteria provided, single submitter. Criteria: GeneDx Variant Classification Process June 2021. Collection method: clinical testing. Allele origin: germline. Affected: yes.

Laboratory for Molecular Medicine, Mass General Brigham Personalized Medicine
Classification: Likely benign. Last evaluated: 2014-05-02. Review status: criteria provided, single submitter. Criteria: LMM Criteria. Collection method: clinical testing. Allele origin: germline. Observed: 1 variant allele.
Comment: Lys315Lys in exon 5 of ACTG1: This variant is not expected to have clinical sign ificance because it does not alter an amino acid residue and is not located with in the splice consensus sequence.